The following is an entry in ClinVar:

NM_004448.4(ERBB2):c.1294C>T (p.Arg432Trp)

Gene: ERBB2 (erb-b2 receptor tyrosine kinase 2; plus strand). Cytogenetic location: 17q12.
Variant type: single nucleotide variant.
Coding change: c.1294C>T on transcript NM_004448.4 (MANE Select); coding-DNA position 1294, C replaced by T.
Protein change: p.Arg432Trp; replaces arginine 432 with tryptophan.
Molecular consequence: missense variant. On other transcripts: non-coding transcript variant (1), intron variant (1).
Genome position (GRCh38, 1-based): chr17:39,715,517, C>T. VCF-style: chr17-39715517-C-T. GRCh37 (hg19) VCF-style: chr17-37871770-C-T.
Other names: c.1204C>T, p.Arg402Trp (NM_001005862.3, NM_001289938.2, NM_001382782.1 and 1 more transcripts); c.1249C>T, p.Arg417Trp (NM_001289936.2); c.1294C>T, p.Arg432Trp (NM_001289937.2, NM_001382785.1, NM_001382788.1 and 13 more transcripts); c.1411C>T, p.Arg471Trp (NM_001382784.1, NM_001382786.1); c.1369C>T, p.Arg457Trp (NM_001382787.1); c.1285C>T, p.Arg429Trp (NM_001382791.1); c.1114C>T, p.Arg372Trp (NM_001382799.1); c.1036C>T, p.Arg346Trp (NM_001382802.1); and 2 more; short protein forms R156W, R346W, R417W, R471W, R372W, R402W, R429W, R457W.
Identifiers: ClinVar variation 964033 (VCV000964033.10), dbSNP rs367606199, ClinGen allele CA8533928.

ClinVar aggregate classification (germline): Conflicting classifications of pathogenicity. Review status: criteria provided, conflicting classifications (1 of 4 stars). 2 submissions from 2 submitters: Uncertain significance (1); Likely benign (1). Last evaluated 2024-09-20.

Conditions:
Visceral neuropathy, familial, 2, autosomal recessive. Identifiers: MedGen C5561950, MONDO:0030399, OMIM 619465.

Allele frequency attached by ClinVar (database versions not stated): gnomAD exomes 0.00002 and 0.00006; ExAC 0.00007; ESP Exome Variant Server 0.00008; TOPMed 0.00019; gnomAD 0.00020 and 0.00024.
gnomAD v4.1: 69 of 1,614,006 alleles (0.0043%); highest among the groups gnomAD compares: African/African-American, 0.073%; no homozygotes.

Submissions (2):

3billion
Classification: Likely benign for Visceral neuropathy, familial, 2, autosomal recessive. Last evaluated: 2024-09-20. Review status: criteria provided, single submitter. Criteria: ACMG Guidelines, 2015. Collection method: clinical testing. Allele origin: germline. Affected: no.
Comment: The homozygous variant was found in patients diagnosed with another variant in a different gene, with no symptoms related to the gene containing the homozygous variant.

Labcorp Genetics (formerly Invitae), Labcorp
Classification: Uncertain significance. Last evaluated: 2024-08-01. Review status: criteria provided, single submitter. Criteria: Invitae Variant Classification Sherloc (09022015). Collection method: clinical testing. Allele origin: germline.
Comment: This sequence change replaces arginine, which is basic and polar, with tryptophan, which is neutral and slightly polar, at codon 432 of the ERBB2 protein (p.Arg432Trp). This variant is present in population databases (rs367606199, gnomAD 0.09%), and has an allele count higher than expected for a pathogenic variant. This variant has not been reported in the literature in individuals affected with ERBB2-related conditions. ClinVar contains an entry for this variant (Variation ID: 964033). Advanced modeling of protein sequence and biophysical properties (such as structural, functional, and spatial information, amino acid conservation, physicochemical variation, residue mobility, and thermodynamic stability) performed at Invitae indicates that this missense variant is not expected to disrupt ERBB2 protein function with a negative predictive value of 80%. In summary, the available evidence is currently insufficient to determine the role of this variant in disease. Therefore, it has been classified as a Variant of Uncertain Significance.